The following is an entry in ClinVar:

NM_001267550.2(TTN):c.94587_94606del (p.Pro31530fs)

Genes: TTN (titin; minus strand), TTN-AS1 (TTN antisense RNA 1; plus strand). Cytogenetic location: 2q31.2.
Variant type: Deletion.
Coding change: c.94587_94606del on transcript NM_001267550.2 (MANE Select); coding-DNA positions 94587 to 94606, 20 bases deleted (CCCAGCGTATGATGGAGGCA).
Protein change: p.Pro31530fs; shifts the reading frame from proline 31530.
Molecular consequence: frameshift variant.
Genome position (GRCh38, 1-based): chr2:178,546,822-178,546,841, TGCCTCCATCATACGCTGGG deleted on the plus strand (CCCAGCGTATGATGGAGGCA on the coding strand, the reverse complement: TTN is on the minus strand). VCF-style (leftmost placement, unchanged base first): chr2-178546821-CTGCCTCCATCATACGCTGGG-C. GRCh37 (hg19) VCF-style: chr2-179411548-CTGCCTCCATCATACGCTGGG-C.
Other names: c.89664_89683del, p.Pro29889fs (NM_001256850.1); c.67392_67411del, p.Pro22465fs (NM_003319.4); c.86883_86902del, p.Pro28962fs (NM_133378.4); c.67767_67786del, p.Pro22590fs (NM_133432.3); c.67968_67987del, p.Pro22657fs (NM_133437.4); short protein forms P22465fs, P22590fs, P22657fs, P28962fs, P29889fs, P31530fs.
Identifiers: ClinVar variation 4687919 (VCV004687919.1).

ClinVar aggregate classification (germline): Likely pathogenic (1 of 4 stars; one submission).

Conditions:
Dilated cardiomyopathy 1G (CMD1G). Identifiers: Orphanet 154, MedGen C1858763, MONDO:0011400, OMIM 604145.

Submission:

Human Genetics Bochum, Ruhr University Bochum
Classification: Likely pathogenic for Dilated cardiomyopathy 1G. Last evaluated: 2025-05-28. Review status: criteria provided, single submitter. Criteria: ACMG Guidelines, 2015. Collection method: clinical testing. Allele origin: germline. Affected: yes.
Comment: ACMG criteria used to clasify this variant: PVS1, PM2_SUP